The following is an entry in ClinVar:

NM_006231.4(POLE):c.2347G>T (p.Val783Leu)

Gene: POLE (DNA polymerase epsilon, catalytic subunit; minus strand). Cytogenetic location: 12q24.33.
Variant type: single nucleotide variant.
Coding change: c.2347G>T on transcript NM_006231.4 (MANE Select); coding-DNA position 2347, G replaced by T.
Protein change: p.Val783Leu; replaces valine 783 with leucine.
Molecular consequence: missense variant.
Genome position (GRCh38, 1-based): chr12:132,665,423, C>A on the plus strand (G>T on the coding strand, the complement: POLE is on the minus strand). VCF-style: chr12-132665423-C-A. GRCh37 (hg19) VCF-style: chr12-133242009-C-A.
Other names: short protein forms V783L.
Identifiers: ClinVar variation 3781486 (VCV003781486.1).

ClinVar aggregate classification (germline): Uncertain significance (1 of 4 stars; one submission).

Conditions:
Hereditary cancer-predisposing syndrome. Also called: Neoplastic Syndromes, Hereditary; Hereditary Cancer Syndrome; Tumor predisposition; Hereditary neoplastic syndrome. Identifiers: Orphanet 140162, MedGen C0027672, MeSH D009386, MONDO:0015356.

Submission:

Ambry Genetics
Classification: Uncertain significance for Hereditary cancer-predisposing syndrome. Last evaluated: 2025-01-18. Review status: criteria provided, single submitter. Criteria: Ambry Variant Classification Scheme 2023. Collection method: clinical testing. Allele origin: germline.
Comment: The p.V783L variant (also known as c.2347G>T), located in coding exon 21 of the POLE gene, results from a G to T substitution at nucleotide position 2347. The valine at codon 783 is replaced by leucine, an amino acid with highly similar properties. This amino acid position is conserved. In addition, this alteration is predicted to be tolerated by in silico analysis. Based on the available evidence, the clinical significance of this variant remains unclear.